The following is an entry in ClinVar:

NM_003611.3(OFD1):c.211A>G (p.Ile71Val)

Gene: OFD1 (OFD1 centriole and centriolar satellite protein; plus strand). Cytogenetic location: Xp22.2.
Variant type: single nucleotide variant.
Coding change: c.211A>G on transcript NM_003611.3 (MANE Select); coding-DNA position 211, A replaced by G.
Protein change: p.Ile71Val; replaces isoleucine 71 with valine.
Molecular consequence: missense variant. On other transcripts: 5 prime UTR variant (1).
Genome position (GRCh38, 1-based): chrX:13,736,577, A>G. VCF-style: chrX-13736577-A-G. GRCh37 (hg19) VCF-style: chrX-13754696-A-G.
Other names: c.211A>G, p.Ile71Val (NM_001330209.2); c.-335A>G (NM_001330210.2); short protein forms I71V.
Identifiers: ClinVar variation 3754769 (VCV003754769.2).

ClinVar aggregate classification (germline): Uncertain significance (1 of 4 stars; one submission).

Conditions:
Joubert syndrome. Also called: CEREBELLOPARENCHYMAL DISORDER IV; JOUBERT-BOLTSHAUSER SYNDROME; Familial aplasia of the vermis. Identifiers: Orphanet 475, MedGen C5979921, MONDO:0018772.
Orofaciodigital syndrome I (OFD1). Also called: OFDS I; Papillon-Leage and Psaume Syndrome; Oral-Facial-Digital Syndrome Type I. Identifiers: Orphanet 2750, MedGen C1510460, MONDO:0010702, OMIM 311200.

Submission:

Labcorp Genetics (formerly Invitae), Labcorp
Classification: Uncertain significance for Orofaciodigital syndrome I; Joubert syndrome. Last evaluated: 2024-04-30. Review status: criteria provided, single submitter. Criteria: Invitae Variant Classification Sherloc (09022015). Collection method: clinical testing. Allele origin: germline.
Comment: This sequence change replaces isoleucine, which is neutral and non-polar, with valine, which is neutral and non-polar, at codon 71 of the OFD1 protein (p.Ile71Val). This variant is not present in population databases (gnomAD no frequency). This variant has not been reported in the literature in individuals affected with OFD1-related conditions. Advanced modeling of protein sequence and biophysical properties (such as structural, functional, and spatial information, amino acid conservation, physicochemical variation, residue mobility, and thermodynamic stability) performed at Invitae indicates that this missense variant is not expected to disrupt OFD1 protein function with a negative predictive value of 80%. In summary, the available evidence is currently insufficient to determine the role of this variant in disease. Therefore, it has been classified as a Variant of Uncertain Significance.